The following is an entry in ClinVar:

NM_001142800.2(EYS):c.3146A>G (p.Asn1049Ser)

Gene: EYS (EGF-like photoreceptor maintenance factor; minus strand). Cytogenetic location: 6q12.
Variant type: single nucleotide variant.
Coding change: c.3146A>G on transcript NM_001142800.2 (MANE Select); coding-DNA position 3146, A replaced by G.
Protein change: p.Asn1049Ser; replaces asparagine 1049 with serine.
Molecular consequence: missense variant.
Genome position (GRCh38, 1-based): chr6:64,822,669, T>C on the plus strand (A>G on the coding strand, the complement: EYS is on the minus strand). VCF-style: chr6-64822669-T-C. GRCh37 (hg19) VCF-style: chr6-65532562-T-C.
Other names: c.3146A>G, p.Asn1049Ser (NM_001292009.2); short protein forms N1049S.
Identifiers: ClinVar variation 1473365 (VCV001473365.6), dbSNP rs2150022666, ClinGen allele CA364787399.
Genomic context (GRCh38, chr6:64,822,669, plus strand): 5'-TAAATATACTTTCATAAAGCTAATAATAAAAAAAATAGCTACCTTCCATGTAGACAAGGA[T>C]TTGAAAGGCAATCATTGGCGTTTGTTTCACAGTGTGTTCCAAAAAACCCACTCTTGCAGT-3'
Protein context (NP_001136272.1, residues 1039-1059): CETNANDCLS[Asn1049Ser]PCLHGRCTEL

ClinVar aggregate classification (germline): Uncertain significance (1 of 4 stars; one submission).

Submission:

Labcorp Genetics (formerly Invitae), Labcorp
Classification: Uncertain significance. Last evaluated: 2022-07-06. Review status: criteria provided, single submitter. Criteria: Invitae Variant Classification Sherloc (09022015). Collection method: clinical testing. Allele origin: germline.
Comment: ClinVar contains an entry for this variant (Variation ID: 1473365). Algorithms developed to predict the effect of missense changes on protein structure and function output the following: SIFT: "Tolerated"; PolyPhen-2: "Benign"; Align-GVGD: "Class C0". The serine amino acid residue is found in multiple mammalian species, which suggests that this missense change does not adversely affect protein function. Algorithms developed to predict the effect of sequence changes on RNA splicing suggest that this variant may create or strengthen a splice site. In summary, the available evidence is currently insufficient to determine the role of this variant in disease. Therefore, it has been classified as a Variant of Uncertain Significance. This sequence change replaces asparagine, which is neutral and polar, with serine, which is neutral and polar, at codon 1049 of the EYS protein (p.Asn1049Ser). This variant is not present in population databases (gnomAD no frequency). This variant has not been reported in the literature in individuals affected with EYS-related conditions.